The following is an entry in ClinVar:

ClinVar aggregate classification (germline): Uncertain significance (1 of 4 stars; one submission).

Submission:

GeneDx
Classification: Uncertain significance. Last evaluated: 2022-05-27. Review status: criteria provided, single submitter. Criteria: GeneDx Variant Classification Process June 2021. Collection method: clinical testing. Allele origin: germline. Affected: yes.
Comment: Not observed at significant frequency in large population cohorts (gnomAD); In silico analysis supports that this missense variant has a deleterious effect on protein structure/function; Has not been previously published as pathogenic or benign to our knowledge

NM_006492.3(ALX3):c.556C>G (p.Leu186Val)

Gene: ALX3 (ALX homeobox 3; minus strand). Cytogenetic location: 1p13.3.
Variant type: single nucleotide variant.
Coding change: c.556C>G on transcript NM_006492.3 (MANE Select); coding-DNA position 556, C replaced by G.
Protein change: p.Leu186Val; replaces leucine 186 with valine.
Molecular consequence: missense variant.
Genome position (GRCh38, 1-based): chr1:110,064,625, G>C on the plus strand (C>G on the coding strand, the complement: ALX3 is on the minus strand). VCF-style: chr1-110064625-G-C. GRCh37 (hg19) VCF-style: chr1-110607247-G-C.
Other names: short protein forms L186V.
Identifiers: ClinVar variation 1801006 (VCV001801006.1), dbSNP rs2524435814, ClinGen allele CA341584337.